The following is an entry in ClinVar:

ClinVar aggregate classification (germline): Uncertain significance (1 of 4 stars; one submission).

Conditions:
Cardiovascular phenotype. Identifiers: MedGen CN230736.

Submission:

Ambry Genetics
Classification: Uncertain significance for Cardiovascular phenotype. Last evaluated: 2026-02-19. Review status: criteria provided, single submitter. Criteria: Ambry Variant Classification Scheme 2023. Collection method: clinical testing. Allele origin: germline.
Comment: The p.A3873G variant (also known as c.11618C>G), located in coding exon 26 of the APOB gene, results from a C to G substitution at nucleotide position 11618. The alanine at codon 3873 is replaced by glycine, an amino acid with similar properties. This amino acid position is conserved. In addition, this alteration is predicted to be tolerated by in silico analysis. Based on the available evidence, the clinical significance of this variant remains unclear.

NM_000384.3(APOB):c.11618C>G (p.Ala3873Gly)

Gene: APOB (apolipoprotein B; minus strand). Cytogenetic location: 2p24.1.
Variant type: single nucleotide variant.
Coding change: c.11618C>G on transcript NM_000384.3 (MANE Select); coding-DNA position 11618, C replaced by G.
Protein change: p.Ala3873Gly; replaces alanine 3873 with glycine.
Molecular consequence: missense variant.
Genome position (GRCh38, 1-based): chr2:21,005,250, G>C on the plus strand (C>G on the coding strand, the complement: APOB is on the minus strand). VCF-style: chr2-21005250-G-C. GRCh37 (hg19) VCF-style: chr2-21228122-G-C.
Other names: short protein forms A3873G.
Identifiers: ClinVar variation 4824440 (VCV004824440.1).